The following is an entry in ClinVar:

ClinVar aggregate classification (germline): Uncertain significance (1 of 4 stars; one submission).

gnomAD v4.1: 1 of 1,613,726 alleles (0.000062%); no homozygotes.

Submission:

Labcorp Genetics (formerly Invitae), Labcorp
Classification: Uncertain significance. Last evaluated: 2021-12-13. Review status: criteria provided, single submitter. Criteria: Invitae Variant Classification Sherloc (09022015). Collection method: clinical testing. Allele origin: germline.
Comment: In summary, the available evidence is currently insufficient to determine the role of this variant in disease. Therefore, it has been classified as a Variant of Uncertain Significance. Algorithms developed to predict the effect of missense changes on protein structure and function (SIFT, PolyPhen-2, Align-GVGD) all suggest that this variant is likely to be tolerated. This variant has not been reported in the literature in individuals affected with NSMCE3-related conditions. This variant is not present in population databases (gnomAD no frequency). This sequence change replaces arginine, which is basic and polar, with lysine, which is basic and polar, at codon 294 of the NSMCE3 protein (p.Arg294Lys).

NM_138704.4(NSMCE3):c.881G>A (p.Arg294Lys)

Genes: ENTREP2 (endosomal transmembrane epsin interactor 2; minus strand), NSMCE3 (NSE3 component of SMC5/6 complex; minus strand). Cytogenetic location: 15q13.1.
Variant type: single nucleotide variant.
Coding change: c.881G>A on transcript NM_138704.4 (MANE Select); coding-DNA position 881, G replaced by A.
Protein change: p.Arg294Lys; replaces arginine 294 with lysine.
Molecular consequence: missense variant. On other transcripts: intron variant (5).
Genome position (GRCh38, 1-based): chr15:29,268,825, C>T on the plus strand (G>A on the coding strand, the complement: NSMCE3 is on the minus strand). VCF-style: chr15-29268825-C-T. GRCh37 (hg19) VCF-style: chr15-29561029-C-T.
Other names: c.-12-16347G>A (NM_001387217.1, NM_001387215.1, NM_001387216.1); c.277-16347G>A (NM_001387214.1, NM_015307.2); short protein forms R294K.
Identifiers: ClinVar variation 2041856 (VCV002041856.4), dbSNP rs2543790438, ClinGen allele CA391483278.